The following is an entry in ClinVar:

ClinVar aggregate classification (germline): Likely benign. Review status: criteria provided, single submitter (1 of 4 stars). 2 submissions from 2 submitters: Likely benign (1). 1 of the submissions does not count toward it. Last evaluated 2022-08-15.

Conditions:
DYSF-related disorder. Also called: DYSF-related condition; DYSF-related disorders.
Neuromuscular disease caused by qualitative or quantitative defects of dysferlin. Also called: Qualitative or quantitative defects of dysferlin; Dysferlinopathy. Identifiers: Orphanet 207073, MedGen C2931687, MONDO:0016145.

Allele frequency attached by ClinVar (database versions not stated): gnomAD exomes below 0.00001 and 0.00001; ExAC 0.00001.
gnomAD v4.1: 3 of 1,614,204 alleles (0.00019%); highest among the groups gnomAD compares: South Asian, 0.0022%; no homozygotes.

Submissions (2):

Labcorp Genetics (formerly Invitae), Labcorp
Classification: Likely benign for Neuromuscular disease caused by qualitative or quantitative defects of dysferlin. Last evaluated: 2022-08-15. Review status: criteria provided, single submitter. Criteria: Invitae Variant Classification Sherloc (09022015). Collection method: clinical testing. Allele origin: germline.

PreventionGenetics, part of Exact Sciences
Classification: Likely benign for DYSF-related condition. Last evaluated: 2024-07-30. Review status: no assertion criteria provided. Collection method: clinical testing. Allele origin: germline. Not counted in ClinVar's aggregate classification.
Comment: This variant is classified as likely benign based on ACMG/AMP sequence variant interpretation guidelines (Richards et al. 2015 PMID: 25741868, with internal and published modifications).

NM_001130987.2(DYSF):c.966T>C (p.Arg322=)

Gene: DYSF (dysferlin; plus strand). Cytogenetic location: 2p13.2.
Variant type: single nucleotide variant.
Coding change: c.966T>C on transcript NM_001130987.2 (MANE Select); coding-DNA position 966, T replaced by C.
Protein change: p.Arg322=; no amino-acid change (arginine 322 retained).
Molecular consequence: synonymous variant.
Genome position (GRCh38, 1-based): chr2:71,517,003, T>C. VCF-style: chr2-71517003-T-C. GRCh37 (hg19) VCF-style: chr2-71744133-T-C.
Other names: c.870T>C (NM_003494.3); c.873T>C, p.Arg291= (NM_001130455.2, NM_001130983.2, NM_001130984.2 and 1 more transcripts); c.870T>C, p.Arg290= (NM_001130976.2, NM_001130977.2, NM_001130978.2 and 1 more transcripts); c.963T>C, p.Arg321= (NM_001130979.2, NM_001130980.2, NM_001130981.2); c.966T>C, p.Arg322= (NM_001130982.2, NM_001130985.2).
Identifiers: ClinVar variation 1120492 (VCV001120492.11), dbSNP rs759748502, ClinGen allele CA1705537.
Genomic context (GRCh38, chr2:71,517,003, plus strand): 5'-CCACATGTTCCCTGTGAATGTGAGTTTCCATGATCTTTCTCTGCAGGTGGTAGACTCTCG[T>C]TCTCTCAGGACAGATGCTCTCCTCGGGGAGTTCCGGGTAATTGCTTATTTTCTATGAAAG-3'
Protein context (NP_001124459.1, residues 312-332): EPIFITVVDS[Arg322=]SLRTDALLGE